The following is an entry in ClinVar:

ClinVar aggregate classification (germline): Likely pathogenic (1 of 4 stars; one submission).

Conditions:
AARS1-related disorder. Also called: AARS1-related condition.

Submission:

PreventionGenetics, part of Exact Sciences
Classification: Likely pathogenic for AARS1-related condition. Last evaluated: 2025-12-09. Review status: criteria provided, single submitter. Criteria: ACMG Guidelines, 2015. Collection method: clinical testing. Allele origin: germline.
Comment: The AARS1 c.1056delT variant is predicted to result in a frameshift and premature protein termination (p.Val353Serfs*12). To our knowledge, this variant has not been reported in the literature or in a large population database (gnomAD), indicating this variant is rare. Frameshift variants in AARS1 are expected to be pathogenic for autosomal recessive AARS1-related disease (see, for example, Nakayama et al. 2017. PubMed ID: 28493438; Helman et al. 2021. PubMed ID: 34446925). This variant is interpreted as likely pathogenic.

NM_001605.3(AARS1):c.1056del (p.Val353fs)

Gene: AARS1 (alanyl-tRNA synthetase 1; minus strand). Cytogenetic location: 16q22.1.
Variant type: Deletion.
Coding change: c.1056del on transcript NM_001605.3 (MANE Select); coding-DNA position 1056, one base deleted (T; older notation c.1056delT).
Protein change: p.Val353fs; shifts the reading frame from valine 353.
Molecular consequence: frameshift variant.
Genome position (GRCh38, 1-based): chr16:70,268,286, A deleted on the plus strand (T on the coding strand, the reverse complement: AARS1 is on the minus strand); the first of 2 consecutive A bases (chr16:70,268,286-70,268,287); deleting either gives the same sequence. VCF-style (leftmost placement, unchanged base first): chr16-70268285-CA-C. GRCh37 (hg19) VCF-style: chr16-70302188-CA-C.
Other names: c.1056delT (NM_001605.2); short protein forms V353fs.
Identifiers: ClinVar variation 4992725 (VCV004992725.1).